The following is an entry in ClinVar:

ClinVar aggregate classification (germline): Uncertain significance. Review status: criteria provided, multiple submitters, no conflicts (2 of 4 stars). 4 submissions from 4 submitters: Uncertain significance (4). Last evaluated 2025-11-08.

Conditions:
MYO5B-related disorder. Also called: MYO5B-related condition.
Inborn genetic diseases. Identifiers: MedGen C0950123, MeSH D030342.
Congenital microvillous atrophy (DIAR2). Also called: Diarrhea 2 with microvillus atrophy, with or without cholestasis; Microvillus inclusion disease; CONGENITAL FAMILIAL PROTRACTED DIARRHEA WITH ENTEROCYTE BRUSH-BORDER ABNORMALITIES; DAVIDSON DISEASE; MICROVILLUS ATROPHY, CONGENITAL. Identifiers: Orphanet 2290, MedGen C0341306, MONDO:0009635, OMIM 251850.

Allele frequency attached by ClinVar (database versions not stated): gnomAD below 0.00001 and 0.00002; TOPMed below 0.00001; gnomAD exomes 0.00011; ExAC 0.00014; 1000 Genomes Project 30x 0.00016; 1000 Genomes Project 0.00020.
gnomAD v4.1: 114 of 1,614,036 alleles (0.0071%); highest among the groups gnomAD compares: South Asian, 0.099%; no homozygotes.

Submissions (4):

Ambry Genetics
Classification: Uncertain significance for Inborn genetic diseases. Last evaluated: 2025-11-08. Review status: criteria provided, single submitter. Criteria: Ambry Variant Classification Scheme 2023. Collection method: clinical testing. Allele origin: germline.

PreventionGenetics, part of Exact Sciences
Classification: Uncertain significance for MYO5B-related condition. Last evaluated: 2025-03-30. Review status: criteria provided, single submitter. Criteria: ACMG Guidelines, 2015. Collection method: clinical testing. Allele origin: germline.
Comment: The MYO5B c.638G>A variant is predicted to result in the amino acid substitution p.Arg213His. To our knowledge, this variant has not been reported in the literature. This variant is reported in 0.075% of alleles in individuals of South Asian descent in gnomAD. Although we suspect that this variant may be benign, at this time, the clinical significance of this variant is uncertain due to the absence of conclusive functional and genetic evidence.

Labcorp Genetics (formerly Invitae), Labcorp
Classification: Uncertain significance. Last evaluated: 2021-12-10. Review status: criteria provided, single submitter. Criteria: Invitae Variant Classification Sherloc (09022015). Collection method: clinical testing. Allele origin: germline.
Comment: This sequence change replaces arginine, which is basic and polar, with histidine, which is basic and polar, at codon 213 of the MYO5B protein (p.Arg213His). This variant is present in population databases (rs557316656, gnomAD 0.07%). This variant has not been reported in the literature in individuals affected with MYO5B-related conditions. ClinVar contains an entry for this variant (Variation ID: 889240). Algorithms developed to predict the effect of missense changes on protein structure and function are either unavailable or do not agree on the potential impact of this missense change (SIFT: "Deleterious"; PolyPhen-2: "Probably Damaging"; Align-GVGD: "Class C0"). In summary, the available evidence is currently insufficient to determine the role of this variant in disease. Therefore, it has been classified as a Variant of Uncertain Significance.

Illumina Laboratory Services, Illumina
Classification: Uncertain significance for Congenital microvillous atrophy. Last evaluated: 2018-01-13. Review status: criteria provided, single submitter. Criteria: ICSL Variant Classification Criteria 13 December 2019. Collection method: clinical testing. Allele origin: germline.

NM_001080467.3(MYO5B):c.638G>A (p.Arg213His)

Gene: MYO5B (myosin VB; minus strand). Cytogenetic location: 18q21.1.
Variant type: single nucleotide variant.
Coding change: c.638G>A on transcript NM_001080467.3 (MANE Select); coding-DNA position 638, G replaced by A.
Protein change: p.Arg213His; replaces arginine 213 with histidine.
Molecular consequence: missense variant.
Genome position (GRCh38, 1-based): chr18:49,992,406, C>T on the plus strand (G>A on the coding strand, the complement: MYO5B is on the minus strand). VCF-style: chr18-49992406-C-T. GRCh37 (hg19) VCF-style: chr18-47518776-C-T.
Other names: short protein forms R213H.
Identifiers: ClinVar variation 889240 (VCV000889240.8), dbSNP rs557316656, ClinGen allele CA8961824.